The following is an entry in ClinVar:

ClinVar aggregate classification (germline): Pathogenic (1 of 4 stars; one submission).

Submission:

Labcorp Genetics (formerly Invitae), Labcorp
Classification: Pathogenic. Last evaluated: 2022-06-29. Review status: criteria provided, single submitter. Criteria: Invitae Variant Classification Sherloc (09022015). Collection method: clinical testing. Allele origin: germline.
Comment: The frequency data for this variant in the population databases is considered unreliable, as metrics indicate poor data quality at this position in the gnomAD database. This sequence change creates a premature translational stop signal (p.Ala538Glyfs*62) in the CLCN7 gene. It is expected to result in an absent or disrupted protein product. Loss-of-function variants in CLCN7 are known to be pathogenic (PMID: 14584882, 19953639). This variant has not been reported in the literature in individuals affected with CLCN7-related conditions. For these reasons, this variant has been classified as Pathogenic.

Literature cited by the submitters: PubMed 14584882; PubMed 19953639.

NM_001287.6(CLCN7):c.1612dup (p.Ala538fs)

Gene: CLCN7 (chloride voltage-gated channel 7; minus strand). Cytogenetic location: 16p13.3.
Variant type: Duplication.
Coding change: c.1612dup on transcript NM_001287.6 (MANE Select); coding-DNA position 1612, one base duplicated (G; older notation c.1612dupG).
Protein change: p.Ala538fs; shifts the reading frame from alanine 538.
Molecular consequence: frameshift variant.
Genome position (GRCh38, 1-based): chr16:1,450,502, C duplicated on the plus strand (G on the coding strand, the reverse complement: CLCN7 is on the minus strand); the first of 5 consecutive C bases (chr16:1,450,502-1,450,506); duplicating any one gives the same sequence. VCF-style (leftmost placement, unchanged base first): chr16-1450501-G-GC. GRCh37 (hg19) VCF-style: chr16-1500502-G-GC.
Other names: c.1540dup, p.Ala514fs (NM_001114331.3); short protein forms A538fs, A514fs.
Identifiers: ClinVar variation 2012245 (VCV002012245.4), dbSNP rs749306669, ClinGen allele CA7810164.